The following is an entry in ClinVar:

NM_001378183.1(PIEZO2):c.5852A>G (p.Glu1951Gly)

Gene: PIEZO2 (piezo type mechanosensitive ion channel component 2; minus strand). Cytogenetic location: 18p11.22.
Variant type: single nucleotide variant.
Coding change: c.5852A>G on transcript NM_001378183.1 (MANE Select); coding-DNA position 5852, A replaced by G.
Protein change: p.Glu1951Gly; replaces glutamic acid 1951 with glycine.
Molecular consequence: missense variant.
Genome position (GRCh38, 1-based): chr18:10,705,483, T>C on the plus strand (A>G on the coding strand, the complement: PIEZO2 is on the minus strand). VCF-style: chr18-10705483-T-C. GRCh37 (hg19) VCF-style: chr18-10705481-T-C.
Other names: c.5588A>G, p.Glu1863Gly (NM_001410871.1); c.5513A>G, p.Glu1838Gly (NM_022068.4); short protein forms E1838G, E1863G, E1951G.
Identifiers: ClinVar variation 2914362 (VCV002914362.2), dbSNP rs371431846, ClinGen allele CA8892308.
Genomic context (GRCh38, chr18:10,705,483, plus strand): 5'-GGGCTGACTGCCATACGGTTCTTGCCTGCAGAGTCGTCCTGCGAGCCGAAGGACAGATGC[T>C]CGAAGCTCACAGCCTTGCTGTAGGAGGGTGGGGCCTCCACATCCCCGTCCAAGGTGGAGA-3'
Protein context (NP_001365112.1, residues 1941-1961): PPSYSKAVSF[Glu1951Gly]HLSFGSQDDS

ClinVar aggregate classification (germline): Uncertain significance (1 of 4 stars; one submission).

Allele frequency attached by ClinVar (database versions not stated): 1000 Genomes Project 30x 0.00016; 1000 Genomes Project 0.00020; gnomAD 0.00021; TOPMed 0.00021; gnomAD exomes 0.00029; ExAC 0.00046; ESP Exome Variant Server 0.00088.
gnomAD v4.1: 423 of 1,537,256 alleles (0.028%); highest among the groups gnomAD compares: Non-Finnish European, 0.034%; no homozygotes.

Submission:

Labcorp Genetics (formerly Invitae), Labcorp
Classification: Uncertain significance. Last evaluated: 2023-07-10. Review status: criteria provided, single submitter. Criteria: Invitae Variant Classification Sherloc (09022015). Collection method: clinical testing. Allele origin: germline.
Comment: In summary, the available evidence is currently insufficient to determine the role of this variant in disease. Therefore, it has been classified as a Variant of Uncertain Significance. Advanced modeling of protein sequence and biophysical properties (such as structural, functional, and spatial information, amino acid conservation, physicochemical variation, residue mobility, and thermodynamic stability) performed at Invitae indicates that this missense variant is not expected to disrupt PIEZO2 protein function. This variant has not been reported in the literature in individuals affected with PIEZO2-related conditions. This variant is present in population databases (rs371431846, gnomAD 0.04%). This sequence change replaces glutamic acid, which is acidic and polar, with glycine, which is neutral and non-polar, at codon 1838 of the PIEZO2 protein (p.Glu1838Gly).